The following is an entry in ClinVar:

NM_003383.5(VLDLR):c.175G>A (p.Val59Ile)

Gene: VLDLR (very low density lipoprotein receptor; plus strand). Cytogenetic location: 9p24.2.
Variant type: single nucleotide variant.
Coding change: c.175G>A on transcript NM_003383.5 (MANE Select); coding-DNA position 175, G replaced by A.
Protein change: p.Val59Ile; replaces valine 59 with isoleucine.
Molecular consequence: missense variant.
Genome position (GRCh38, 1-based): chr9:2,635,545, G>A. VCF-style: chr9-2635545-G-A. GRCh37 (hg19) VCF-style: chr9-2635545-G-A.
Other names: p.V59I:GTT>ATT; c.175G>A, p.Val59Ile (NM_001018056.3, NM_001322225.2, NM_001322226.2); short protein forms V59I.
Identifiers: ClinVar variation 130705 (VCV000130705.21), dbSNP rs6149, ClinGen allele CA155916.

ClinVar aggregate classification (germline): Benign/Likely benign. Review status: criteria provided, multiple submitters, no conflicts (2 of 4 stars). 8 submissions from 8 submitters: Benign (4); Likely benign (1). 3 of the submissions do not count toward it. Last evaluated 2026-02-04.

Conditions:
Cerebellar ataxia, impaired intellectual development, and dysequilibrium syndrome 1. Also called: CEREBELLAR ATAXIA AND MENTAL RETARDATION WITH OR WITHOUT QUADRUPEDAL LOCOMOTION 1; CEREBELLAR ATAXIA, CONGENITAL, AND MENTAL RETARDATION, AUTOSOMAL RECESSIVE; VLDLR Cerebellar Hypoplasia; Cerebellar hypoplasia and mental retardation with or without quadrupedal locomotion 1; Cerebellar ataxia, intellectual disability, and dysequilibrium syndrome 1; Cerebellar ataxia, mental retardation, and dysequilibrium syndrome 1. Identifiers: Orphanet 1766, MedGen C4551552, MONDO:0024542, OMIM 224050.

Allele frequency attached by ClinVar (database versions not stated): gnomAD exomes 0.01349 and 0.02405; ExAC 0.02730; gnomAD 0.05450 and 0.05632; ESP Exome Variant Server 0.05936; TOPMed 0.06001; 1000 Genomes Project 30x 0.07870; 1000 Genomes Project 0.07947.
gnomAD v4.1: 28,577 of 1,614,058 alleles (1.8%); highest among the groups gnomAD compares: African/African-American, 16%; 1,232 homozygotes.

Submissions (8):

Labcorp Genetics (formerly Invitae), Labcorp
Classification: Benign. Last evaluated: 2026-02-04. Review status: criteria provided, single submitter. Criteria: Invitae Variant Classification Sherloc (09022015). Collection method: clinical testing. Allele origin: germline.

Mayo Clinic Laboratories, Mayo Clinic
Classification: Benign. Last evaluated: 2022-03-23. Review status: criteria provided, single submitter. Criteria: ACMG Guidelines, 2015. Collection method: clinical testing. Allele origin: germline. Observed: 63 variant alleles.

Illumina Laboratory Services, Illumina
Classification: Benign for Cerebellar ataxia, impaired intellectual development, and dysequilibrium syndrome 1. Last evaluated: 2018-01-12. Review status: criteria provided, single submitter. Criteria: ICSL Variant Classification Criteria 13 December 2019. Collection method: clinical testing. Allele origin: germline.
Comment: This variant was observed in the ICSL laboratory as part of a predisposition screen in an ostensibly healthy population. It had not been previously curated by ICSL or reported in the Human Gene Mutation Database (HGMD: prior to June 1st, 2018), and was therefore a candidate for classification through an automated scoring system. Utilizing variant allele frequency, disease prevalence and penetrance estimates, and inheritance mode, an automated score was calculated to assess if this variant is too frequent to cause the disease. Based on the score and internal cut-off values, a variant classified as benign is not then subjected to further curation. The score for this variant resulted in a classification of benign for this disease.

GeneDx
Classification: Benign. Last evaluated: 2014-01-31. Review status: criteria provided, single submitter. Criteria: GeneDx Variant Classification (06012015). Collection method: clinical testing. Allele origin: germline. Affected: yes.
Comment: This variant is considered likely benign or benign based on one or more of the following criteria: it is a conservative change, it occurs at a poorly conserved position in the protein, it is predicted to be benign by multiple in silico algorithms, and/or has population frequency not consistent with disease.

Breakthrough Genomics
Classification: Likely benign. Review status: criteria provided, single submitter. Criteria: ACMG Guidelines, 2015. Collection method: not provided. Allele origin: germline. Inheritance: Autosomal recessive inheritance. Affected: yes.

Clinical Genetics DNA and cytogenetics Diagnostics Lab, Erasmus MC, Erasmus Medical Center
Classification: Benign. Review status: no assertion criteria provided. Collection method: clinical testing. Allele origin: germline. Affected: yes. Study: VKGL Data-share Consensus. Not counted in ClinVar's aggregate classification.

Genetic Services Laboratory, University of Chicago
Classification: Likely benign for AllHighlyPenetrant. Review status: no assertion criteria provided. Collection method: clinical testing. Allele origin: germline. Inheritance: Autosomal recessive inheritance. Not counted in ClinVar's aggregate classification.
Comment: Likely benign based on allele frequency in 1000 Genomes Project or ESP global frequency and its presence in a patient with a rare or unrelated disease phenotype. NOT Sanger confirmed.

Laboratory of Diagnostic Genome Analysis, Leiden University Medical Center (LUMC)
Classification: Likely benign. Review status: no assertion criteria provided. Collection method: clinical testing. Allele origin: germline. Affected: yes. Study: VKGL Data-share Consensus. Not counted in ClinVar's aggregate classification.